The following is an entry in ClinVar:

NM_024675.4(PALB2):c.1599T>C (p.Thr533=)

Gene: PALB2 (partner and localizer of BRCA2; minus strand). Cytogenetic location: 16p12.2.
Variant type: single nucleotide variant.
Coding change: c.1599T>C on transcript NM_024675.4 (MANE Select); coding-DNA position 1599, T replaced by C.
Protein change: p.Thr533=; no amino-acid change (threonine 533 retained).
Molecular consequence: synonymous variant.
Genome position (GRCh38, 1-based): chr16:23,634,947, A>G on the plus strand (T>C on the coding strand, the complement: PALB2 is on the minus strand). VCF-style: chr16-23634947-A-G. GRCh37 (hg19) VCF-style: chr16-23646268-A-G.
Identifiers: ClinVar variation 183798 (VCV000183798.31), dbSNP rs786201088, ClinGen allele CA186523.

ClinVar aggregate classification (germline): Conflicting classifications of pathogenicity. Review status: criteria provided, conflicting classifications (1 of 4 stars). 11 submissions from 11 submitters: Uncertain significance (2); Benign (1); Likely benign (7). 1 of the submissions does not count toward it. Last evaluated 2025-11-05.

Conditions:
PALB2-related disorder. Also called: PALB2-related disorders; PALB2-related condition.
Familial pancreatic carcinoma. Identifiers: Orphanet 1333, MedGen C2931038, MONDO:0015278, OMIM 260350.
Hereditary cancer-predisposing syndrome. Also called: Tumor predisposition; Hereditary Cancer Syndrome; Hereditary neoplastic syndrome; Neoplastic Syndromes, Hereditary. Identifiers: Orphanet 140162, MedGen C0027672, MeSH D009386, MONDO:0015356.
Familial cancer of breast. Also called: BREAST CANCER, FAMILIAL; hereditary breast carcinoma; Hereditary breast cancer. Identifiers: Orphanet 227535, MedGen C0346153, MONDO:0016419, OMIM 114480. Disease mechanism: loss of function.
Fanconi anemia complementation group N. Also called: PALB2-Related Fanconi Anemia. Identifiers: Orphanet 84, MedGen C1835817, MONDO:0012565, OMIM 610832. Disease mechanism: loss of function.

Allele frequency attached by ClinVar (database versions not stated): gnomAD exomes below 0.00001 and 0.00002; gnomAD 0.00002; TOPMed 0.00002.
gnomAD v4.1: 38 of 1,614,012 alleles (0.0024%); highest among the groups gnomAD compares: Non-Finnish European, 0.003%; no homozygotes.

Submissions (11):

Labcorp Genetics (formerly Invitae), Labcorp
Classification: Likely benign for Familial cancer of breast. Last evaluated: 2025-11-05. Review status: criteria provided, single submitter. Criteria: Invitae Variant Classification Sherloc (09022015). Collection method: clinical testing. Allele origin: germline.

Quest Diagnostics Nichols Institute San Juan Capistrano
Classification: Likely benign. Last evaluated: 2025-10-16. Review status: criteria provided, single submitter. Criteria: Quest Diagnostics criteria. Collection method: clinical testing. Allele origin: unknown.

Myriad Genetics, Inc.
Classification: Benign for Familial cancer of breast. Last evaluated: 2025-01-14. Review status: criteria provided, single submitter. Criteria: Myriad Autosomal Dominant, Autosomal Recessive and X-Linked Classification Criteria (2023). Collection method: clinical testing. Allele origin: unknown.
Comment: This variant is considered benign. This variant is a silent/synonymous amino acid change and it is not expected to impact splicing.

Women's Health and Genetics/Laboratory Corporation of America, LabCorp
Classification: Likely benign. Last evaluated: 2023-12-31. Review status: criteria provided, single submitter. Criteria: LabCorp Variant Classification Summary - May 2015. Collection method: clinical testing. Allele origin: germline.

GeneDx
Classification: Likely benign. Last evaluated: 2021-03-29. Review status: criteria provided, single submitter. Criteria: GeneDx Variant Classification Process June 2021. Collection method: clinical testing. Allele origin: germline. Affected: yes.

Department of Pathology and Laboratory Medicine, Sinai Health System
Classification: Likely benign for Familial pancreatic carcinoma. Last evaluated: 2019-11-14. Review status: criteria provided, single submitter. Criteria: ACMG Guidelines, 2015. Collection method: clinical testing. Allele origin: germline. Affected: yes.

Genetic Services Laboratory, University of Chicago
Classification: Uncertain significance. Last evaluated: 2018-04-19. Review status: criteria provided, single submitter. Criteria: ACMG Guidelines, 2015. Collection method: clinical testing. Allele origin: germline. Affected: no.

Illumina Laboratory Services, Illumina
Classification: Uncertain significance for Fanconi anemia complementation group N. Last evaluated: 2018-01-13. Review status: criteria provided, single submitter. Criteria: ICSL Variant Classification Criteria 13 December 2019. Collection method: clinical testing. Allele origin: germline.

Color Diagnostics, LLC DBA Color Health
Classification: Likely benign for Hereditary cancer-predisposing syndrome. Last evaluated: 2017-05-18. Review status: criteria provided, single submitter. Criteria: ACMG Guidelines, 2015. Collection method: clinical testing. Allele origin: germline.

Ambry Genetics
Classification: Likely benign for Hereditary cancer-predisposing syndrome. Last evaluated: 2014-07-25. Review status: criteria provided, single submitter. Criteria: Ambry Variant Classification Scheme 2023. Collection method: clinical testing. Allele origin: germline.

PreventionGenetics, part of Exact Sciences
Classification: Likely benign for PALB2-related condition. Last evaluated: 2022-05-26. Review status: no assertion criteria provided. Collection method: clinical testing. Allele origin: germline. Not counted in ClinVar's aggregate classification.
Comment: This variant is classified as likely benign based on ACMG/AMP sequence variant interpretation guidelines (Richards et al. 2015 PMID: 25741868, with internal and published modifications).